The following is an entry in ClinVar:

NM_000169.3(GLA):c.747C>A (p.Asn249Lys)

Genes: GLA (galactosidase alpha; minus strand), RPL36A-HNRNPH2 (RPL36A-HNRNPH2 readthrough; plus strand). Cytogenetic location: Xq22.1.
Variant type: single nucleotide variant.
Coding change: c.747C>A on transcript NM_000169.3 (MANE Select); coding-DNA position 747, C replaced by A.
Protein change: p.Asn249Lys; replaces asparagine 249 with lysine.
Molecular consequence: missense variant. On other transcripts: non-coding transcript variant (3), intron variant (2).
Genome position (GRCh38, 1-based): chrX:101,398,839, G>T on the plus strand (C>A on the coding strand, the complement: GLA is on the minus strand). VCF-style: chrX-101398839-G-T. GRCh37 (hg19) VCF-style: chrX-100653827-G-T.
Other names: c.870C>A, p.Asn290Lys (NM_001406747.1); c.747C>A, p.Asn249Lys (NM_001406748.1); c.300+3382G>T (NM_001199973.2); c.177+7017G>T (NM_001199974.2); short protein forms N249K, N290K.
Identifiers: ClinVar variation 3544393 (VCV003544393.3), dbSNP rs782506652.

ClinVar aggregate classification (germline): Conflicting classifications of pathogenicity. Review status: criteria provided, conflicting classifications (1 of 4 stars). 2 submissions from 2 submitters: Likely pathogenic (1); Uncertain significance (1). Last evaluated 2026-09-08.

Conditions:
Fabry disease. Also called: Fabry's disease; ALPHA-GALACTOSIDASE A DEFICIENCY; ANDERSON-FABRY DISEASE; CERAMIDE TRIHEXOSIDASE DEFICIENCY; GLA DEFICIENCY; HEREDITARY DYSTOPIC LIPIDOSIS. Identifiers: Orphanet 324, MedGen C0002986, MONDO:0010526, OMIM 301500, HP:0001071. Disease mechanism: Fabry disease is due to inactivating mutations in the X-linked GLA gene resulting in deficiency of the enzyme Alpha Galactosidase-A., loss of function.

Submissions (2):

Genomenon, Inc
Classification: Uncertain significance for Fabry disease. Last evaluated: 2026-09-08. Review status: criteria provided, single submitter. Criteria: Genomenon Sequence Variant Interpretation Standards - Updated. Collection method: curation. Allele origin: germline. Affected: yes.
Comment: GLA p.Asn249Lys (c.747C>A) is a missense variant that changes the amino acid at codon 249 from Asparagine to Lysine. This variant has been observed in at least one proband with clinical features consistent with Fabry disease (PMID:31242288;32432376;27083555). Functional or patient cell studies have been reported (PMID:32023956;26415523;32432376;27657681;33211404;27083555;28069318). It is absent or not present at a significant frequency in gnomAD. In silico models predict that this variant is not damaging. In conclusion, we classify GLA p.Asn249Lys (c.747C>A) as a variant of uncertain significance.

Mendelics
Classification: Likely pathogenic for Fabry disease. Last evaluated: 2025-01-09. Review status: criteria provided, single submitter. Criteria: ACMG Guidelines, 2015. Collection method: clinical testing. Allele origin: unknown.
Comment: GnomAD frequency zero. p.Asn249Lys c.747C>A hemizygote. Published PubMed 24140492 with altered metabolism.

Literature cited by the submitters: PubMed 31242288 (cited by Genomenon, Inc); PubMed 32432376 (cited by Genomenon, Inc); PubMed 27083555 (cited by Genomenon, Inc); PubMed 32023956 (cited by Genomenon, Inc); PubMed 26415523 (cited by Genomenon, Inc); PubMed 27657681 (cited by Genomenon, Inc); PubMed 33211404 (cited by Genomenon, Inc); PubMed 28069318 (cited by Genomenon, Inc); PubMed 24140492 (cited by Mendelics).